The following is an entry in ClinVar:

ClinVar aggregate classification (germline): Pathogenic (1 of 4 stars; one submission).

Conditions:
Kleefstra syndrome 2 (KLEFS2). Identifiers: MedGen C4540395, MONDO:0054701, OMIM 617768.

Submission:

Victorian Clinical Genetics Services, Murdoch Childrens Research Institute
Classification: Pathogenic for Kleefstra syndrome 2. Last evaluated: 2024-10-10. Review status: criteria provided, single submitter. Criteria: ACMG Guidelines, 2015. Collection method: clinical testing. Allele origin: germline. Inheritance: Autosomal dominant inheritance. Affected: yes.
Comment: Based on the classification scheme VCGS_Germline_v1.1.1, this variant is classified as pathogenic. Following criteria are met: 0102 - Loss-of-function is a known mechanism of disease for this gene. (N) 0107 - This gene is known to be associated with autosomal dominant disease. (N) 0201 - Variant is predicted to cause nonsense-mediated decay (NMD) and loss of protein (exon 36 of 59). (P) 0251 - Variant is heterozygous. (N) 0301 - Variant is absent from gnomAD. (P) 0401 - Variant is located in a gene associated with a severe early-onset dominant condition that is intolerant to loss-of-function variants. (P) 0701 - Comparable variants also predicted to result in NMD, have very strong previous evidence for pathogenicity in patients with Kleefstra syndrome (ClinVar, PMID:29069077, PMID:29276005). (P) 0807 - Variant has not previously been reported in a clinical context. (N) 0905 - No segregation evidence has been identified for this variant. (N) 1007 - No published functional evidence has been identified for this variant. (P) Legend: (P) - Pathogenic, (N) - Neutral, (B) - Benign

Literature cited by the submitters: PubMed 29069077; PubMed 29276005.

NM_170606.3(KMT2C):c.5419C>T (p.Gln1807Ter)

Gene: KMT2C (lysine methyltransferase 2C; minus strand). Cytogenetic location: 7q36.1.
Variant type: single nucleotide variant.
Coding change: c.5419C>T on transcript NM_170606.3 (MANE Select); coding-DNA position 5419, C replaced by T.
Protein change: p.Gln1807Ter; replaces glutamine 1807 with a stop codon.
Molecular consequence: nonsense.
Genome position (GRCh38, 1-based): chr7:152,182,441, G>A on the plus strand (C>T on the coding strand, the complement: KMT2C is on the minus strand). VCF-style: chr7-152182441-G-A. GRCh37 (hg19) VCF-style: chr7-151879526-G-A.
Other names: short protein forms Q1807*.
Identifiers: ClinVar variation 1699406 (VCV001699406.4), dbSNP rs2129121010, ClinGen allele CA370098921.
Genomic context (GRCh38, chr7:152,182,441, plus strand): 5'-TATGGAATGACTGTGCAGGAGACATATTTCCATTGCCAGGCTGAGGTGTCAAGGGACTCT[G>A]TATCCCACTACTTGGTGTATCTGAACCAGACTGCACCAGAAGATGCTGAGAACCAAATTG-3'